The following is an entry in ClinVar:

ClinVar aggregate classification (germline): Uncertain significance. Review status: criteria provided, multiple submitters, no conflicts (2 of 4 stars). 2 submissions from 2 submitters: Uncertain significance (2). Last evaluated 2024-11-09.

Conditions:
Cardiovascular phenotype. Identifiers: MedGen CN230736.
Long QT syndrome (LQTS). Identifiers: MedGen C0023976, MeSH D008133, MONDO:0002442. Disease mechanism: loss of function. Inheritance: Various modes of inheritance.

gnomAD v4.1: 7 of 1,613,530 alleles (0.00043%); highest among the groups gnomAD compares: African/African-American, 0.0093%; no homozygotes.

Submissions (2):

Ambry Genetics
Classification: Uncertain significance for Cardiovascular phenotype. Last evaluated: 2024-11-09. Review status: criteria provided, single submitter. Criteria: Ambry Variant Classification Scheme 2023. Collection method: clinical testing. Allele origin: germline.

Labcorp Genetics (formerly Invitae), Labcorp
Classification: Uncertain significance for Long QT syndrome. Last evaluated: 2021-10-25. Review status: criteria provided, single submitter. Criteria: Invitae Variant Classification Sherloc (09022015). Collection method: clinical testing. Allele origin: germline.
Comment: In summary, the available evidence is currently insufficient to determine the role of this variant in disease. Therefore, it has been classified as a Variant of Uncertain Significance. Algorithms developed to predict the effect of missense changes on protein structure and function are either unavailable or do not agree on the potential impact of this missense change (SIFT: "Tolerated"; PolyPhen-2: "Probably Damaging"; Align-GVGD: "Class C0"). This variant has not been reported in the literature in individuals affected with ANK2-related conditions. This variant is not present in population databases (ExAC no frequency). This sequence change replaces glutamic acid with aspartic acid at codon 1433 of the ANK2 protein (p.Glu1433Asp). The glutamic acid residue is highly conserved and there is a small physicochemical difference between glutamic acid and aspartic acid.

NM_001148.6(ANK2):c.4299G>T (p.Glu1433Asp)

Gene: ANK2 (ankyrin 2; plus strand). Cytogenetic location: 4q26.
Variant type: single nucleotide variant.
Coding change: c.4299G>T on transcript NM_001148.6 (MANE Select); coding-DNA position 4299, G replaced by T.
Protein change: p.Glu1433Asp; replaces glutamic acid 1433 with aspartic acid.
Molecular consequence: missense variant.
Genome position (GRCh38, 1-based): chr4:113,345,950, G>T. VCF-style: chr4-113345950-G-T. GRCh37 (hg19) VCF-style: chr4-114267106-G-T.
Other names: c.4074G>T, p.Glu1358Asp (NM_001354270.2, NM_001354253.2); c.4014G>T, p.Glu1338Asp (NM_001354271.2, NM_001354260.2, NM_001386151.1); c.4113G>T, p.Glu1371Asp (NM_001386149.1, NM_001386150.1, NM_001386146.1 and 6 more transcripts); c.4236G>T, p.Glu1412Asp (NM_001386143.1, NM_001354243.2, NM_001354255.2); c.4344G>T, p.Glu1448Asp (NM_001386144.1, NM_001354240.2, NM_001354241.2); c.4098G>T, p.Glu1366Asp (NM_001354274.2, NM_001386142.1, NM_001386154.1); c.4137G>T, p.Glu1379Asp (NM_001354275.2, NM_001354245.2, NM_001354262.2); c.3915G>T, p.Glu1305Asp (NM_001354277.2, NM_001386157.1); and 31 more; short protein forms E1333D, E1399D, E1423D, E1445D, E233D, E1346D, E1366D, E1371D.
Identifiers: ClinVar variation 1483195 (VCV001483195.9), dbSNP rs755562417, ClinGen allele CA357913220.
Genomic context (GRCh38, chr4:113,345,950, plus strand): 5'-CTTGTTCAAGGTACGCGATACGACTCAGGAACCTTGCGGACGACTATCATTTATGAAGGA[G>T]CCAAAATCCACGAGAGGCCTGGTGCATCAAGCTATTTGCAACTTAAACATCACTTTGCCG-3'
Protein context (NP_001139.3, residues 1423-1443): EPCGRLSFMK[Glu1433Asp]PKSTRGLVHQ